The following is an entry in ClinVar:

ClinVar aggregate classification (germline): Pathogenic/Likely pathogenic. Review status: criteria provided, multiple submitters, no conflicts (2 of 4 stars). 3 submissions from 3 submitters: Pathogenic (2); Likely pathogenic (1). Last evaluated 2024-09-19.

Conditions:
ALG6-congenital disorder of glycosylation 1C (CDG1C). Also called: CDG Ic; Congenital disorder of glycosylation type 1C; CARBOHYDRATE-DEFICIENT GLYCOPROTEIN SYNDROME, TYPE I, WITH DEFICIENT GLYCOSYLATION OF DOLICHOL-LINKED OLIGOSACCHARIDE; CARBOHYDRATE-DEFICIENT GLYCOPROTEIN SYNDROME, TYPE V; Congenital disorder of glycosylation, type Ic. Identifiers: Orphanet 79320, MedGen C2930997, MONDO:0011291, OMIM 603147.

Allele frequency attached by ClinVar (database versions not stated): gnomAD 0.00001.
gnomAD v4.1: 5 of 1,613,104 alleles (0.00031%); highest among the groups gnomAD compares: Non-Finnish European, 0.00042%; no homozygotes.

Submissions (3):

Natera, Inc.
Classification: Pathogenic for Congenital disorder of glycosylation type 1c. Last evaluated: 2024-09-19. Review status: criteria provided, single submitter. Criteria: Natera Variant Classification Schema (03/2026). Collection method: clinical testing. Allele origin: germline.
Comment: The c.680+1G>A variant in ALG6 is a canonical splice donor site variant predicted to affect pre-mRNA splicing, which may result in an abnormal transcript and altered protein product. This variant is expected to result in nonsense mediated decay, truncation, or a dysfunctional protein product. This variant is rare in the general population with a frequency below the threshold expected for the associated phenotype(s). Another variant at this same site results in an alteration predicted to cause a similar molecular effect has been observed in individual(s) with the associated phenotype. Given the available evidence, this variant is classified as Pathogenic.

Labcorp Genetics (formerly Invitae), Labcorp
Classification: Pathogenic for ALG6-congenital disorder of glycosylation 1C. Last evaluated: 2023-12-30. Review status: criteria provided, single submitter. Criteria: Invitae Variant Classification Sherloc (09022015). Collection method: clinical testing. Allele origin: germline.
Comment: This sequence change affects a donor splice site in intron 8 of the ALG6 gene. It is expected to disrupt RNA splicing. Variants that disrupt the donor or acceptor splice site typically lead to a loss of protein function (PMID: 16199547), and loss-of-function variants in ALG6 are known to be pathogenic (PMID: 19862844). This variant is present in population databases (no rsID available, gnomAD 0.007%). Disruption of this splice site has been observed in individual(s) with congenital disorder of glycosylation (PMID: 16007612). ClinVar contains an entry for this variant (Variation ID: 1522702). For these reasons, this variant has been classified as Pathogenic.

Baylor Genetics
Classification: Likely pathogenic for ALG6-congenital disorder of glycosylation 1C. Last evaluated: 2023-08-30. Review status: criteria provided, single submitter. Criteria: ACMG Guidelines, 2015. Collection method: clinical testing. Allele origin: unknown.

Literature cited by the submitters: PubMed 16199547 (cited by Labcorp Genetics (formerly Invitae), Labcorp); PubMed 19862844 (cited by Labcorp Genetics (formerly Invitae), Labcorp); PubMed 16007612 (cited by Labcorp Genetics (formerly Invitae), Labcorp).

NM_013339.4(ALG6):c.680+1G>A

Gene: ALG6 (ALG6 alpha-1,3-glucosyltransferase; plus strand). Cytogenetic location: 1p31.3.
Variant type: single nucleotide variant.
Coding change: c.680+1G>A on transcript NM_013339.4 (MANE Select); the canonical splice donor site of the intron after coding-DNA position 680, G replaced by A.
Molecular consequence: splice donor variant.
Genome position (GRCh38, 1-based): chr1:63,411,332, G>A. VCF-style: chr1-63411332-G-A. GRCh37 (hg19) VCF-style: chr1-63877003-G-A.
Other names: c.680+1G>A (NM_013339.3).
Identifiers: ClinVar variation 1522702 (VCV001522702.8), dbSNP rs1253289234, ClinGen allele CA340635247.